The following is an entry in ClinVar:

ClinVar aggregate classification (germline): Uncertain significance (1 of 4 stars; one submission).

gnomAD v4.1: 2 of 1,614,142 alleles (0.00012%); highest among the groups gnomAD compares: Non-Finnish European, 0.00017%; no homozygotes.

Submission:

Labcorp Genetics (formerly Invitae), Labcorp
Classification: Uncertain significance. Last evaluated: 2023-11-13. Review status: criteria provided, single submitter. Criteria: Invitae Variant Classification Sherloc (09022015). Collection method: clinical testing. Allele origin: germline.
Comment: This sequence change replaces leucine, which is neutral and non-polar, with valine, which is neutral and non-polar, at codon 1002 of the ALPK3 protein (p.Leu1002Val). This variant is present in population databases (rs141673424, gnomAD 0.003%). This variant has not been reported in the literature in individuals affected with ALPK3-related conditions. An algorithm developed to predict the effect of missense changes on protein structure and function (PolyPhen-2) suggests that this variant is likely to be tolerated. In summary, the available evidence is currently insufficient to determine the role of this variant in disease. Therefore, it has been classified as a Variant of Uncertain Significance.

NM_020778.5(ALPK3):c.2398C>G (p.Leu800Val)

Gene: ALPK3 (alpha kinase 3; plus strand). Cytogenetic location: 15q25.3.
Variant type: single nucleotide variant.
Coding change: c.2398C>G on transcript NM_020778.5 (MANE Select); coding-DNA position 2398, C replaced by G.
Protein change: p.Leu800Val; replaces leucine 800 with valine.
Molecular consequence: missense variant.
Genome position (GRCh38, 1-based): chr15:84,857,136, C>G. VCF-style: chr15-84857136-C-G. GRCh37 (hg19) VCF-style: chr15-85400367-C-G.
Other names: short protein forms L800V.
Identifiers: ClinVar variation 2954820 (VCV002954820.3), dbSNP rs141673424, ClinGen allele CA273624276.